The following is an entry in ClinVar:

NM_015338.6(ASXL1):c.1173A>T (p.Glu391Asp)

Gene: ASXL1 (ASXL transcriptional regulator 1; plus strand). Cytogenetic location: 20q11.21.
Variant type: single nucleotide variant.
Coding change: c.1173A>T on transcript NM_015338.6 (MANE Select); coding-DNA position 1173, A replaced by T.
Protein change: p.Glu391Asp; replaces glutamic acid 391 with aspartic acid.
Molecular consequence: missense variant.
Genome position (GRCh38, 1-based): chr20:32,433,371, A>T. VCF-style: chr20-32433371-A-T. GRCh37 (hg19) VCF-style: chr20-31021174-A-T.
Other names: c.990A>T, p.Glu330Asp (NM_001363734.1); short protein forms E330D, E391D.
Identifiers: ClinVar variation 3439346 (VCV003439346.1).

ClinVar aggregate classification (germline): Uncertain significance (1 of 4 stars; one submission).

Conditions:
Inborn genetic diseases. Identifiers: MedGen C0950123, MeSH D030342.

gnomAD v4.1: 4 of 1,614,066 alleles (0.00025%); highest among the groups gnomAD compares: African/African-American, 0.004%; no homozygotes.

Submission:

Ambry Genetics
Classification: Uncertain significance for Inborn genetic diseases. Last evaluated: 2024-12-02. Review status: criteria provided, single submitter. Criteria: Ambry Variant Classification Scheme 2023. Collection method: clinical testing. Allele origin: germline.
Comment: The p.E391D variant (also known as c.1173A>T), located in coding exon 12 of the ASXL1 gene, results from an A to T substitution at nucleotide position 1173. The glutamic acid at codon 391 is replaced by aspartic acid, an amino acid with highly similar properties. This amino acid position is conserved. In addition, this alteration is predicted to be tolerated by in silico analysis. Based on the available evidence, the clinical significance of this variant remains unclear.